The following is an entry in ClinVar:

ClinVar aggregate classification (germline): Likely benign (1 of 4 stars; one submission).

Submission:

CeGaT Center for Human Genetics Tuebingen
Classification: Likely benign. Last evaluated: 2025-07-01. Review status: criteria provided, single submitter. Criteria: CeGaT Center For Human Genetics Tuebingen Variant Classification Criteria Version 2. Collection method: clinical testing. Allele origin: germline. Affected: yes. Observed: 1 variant allele.
Comment: MUC4: BP4, BP7

NM_018406.7(MUC4):c.10767C>T (p.Asp3589=)

Gene: MUC4 (mucin 4, cell surface associated). Cytogenetic location: 3q29.
Variant type: single nucleotide variant.
Coding change: c.10767C>T on transcript NM_018406.7 (MANE Select); coding-DNA position 10767, C replaced by T.
Protein change: p.Asp3589=; no amino-acid change (aspartic acid 3589 retained).
Molecular consequence: synonymous variant. On other transcripts: intron variant (2).
Genome position (GRCh38, 1-based): chr3:195,780,813, G>A on the plus strand (C>T on the coding strand, the complement: MUC4 is on the minus strand). VCF-style: chr3-195780813-G-A. GRCh37 (hg19) VCF-style: chr3-195507684-G-A.
Other names: c.83-6508C>T (NM_138297.5); c.83-2358C>T (NM_004532.6).
Identifiers: ClinVar variation 4084073 (VCV004084073.8).